The following is an entry in ClinVar:

NM_001386298.1(CIC):c.2820T>G (p.Ser940=)

Gene: CIC (capicua transcriptional repressor; plus strand). Cytogenetic location: 19q13.2.
Variant type: single nucleotide variant.
Coding change: c.2820T>G on transcript NM_001386298.1 (MANE Select); coding-DNA position 2820, T replaced by G.
Protein change: p.Ser940=; no amino-acid change (serine 940 retained).
Molecular consequence: synonymous variant.
Genome position (GRCh38, 1-based): chr19:42,286,796, T>G. VCF-style: chr19-42286796-T-G. GRCh37 (hg19) VCF-style: chr19-42790948-T-G.
Other names: c.2820T>G, p.Ser940= (NM_001304815.2, NM_001379480.1, NM_001379482.1 and 6 more transcripts); c.93T>G, p.Ser31= (NM_001379484.1, NM_001379485.1, NM_001439189.1 and 3 more transcripts).
Identifiers: ClinVar variation 4980265 (VCV004980265.1).

ClinVar aggregate classification (germline): Likely benign (1 of 4 stars; one submission).

Conditions:
CIC-related disorder. Also called: CIC-related condition.

gnomAD v4.1: 23 of 1,613,918 alleles (0.0014%); highest among the groups gnomAD compares: South Asian, 0.016%; no homozygotes.

Submission:

PreventionGenetics, part of Exact Sciences
Classification: Likely benign for CIC-related condition. Last evaluated: 2025-01-06. Review status: criteria provided, single submitter. Criteria: ACMG Guidelines, 2015. Collection method: clinical testing. Allele origin: germline.
Comment: This variant is classified as likely benign based on ACMG/AMP sequence variant interpretation guidelines (Richards et al. 2015 PMID: 25741868, with internal and published modifications).